The following is an entry in ClinVar:

ClinVar aggregate classification (germline): Conflicting classifications of pathogenicity. Review status: criteria provided, conflicting classifications (1 of 4 stars). 4 submissions from 4 submitters: Uncertain significance (1); Likely benign (2). 1 of the submissions does not count toward it. Last evaluated 2026-01-11.

Conditions:
BLM-related disorder. Also called: BLM-related condition.
Hereditary cancer-predisposing syndrome. Also called: Tumor predisposition; Hereditary Cancer Syndrome; Neoplastic Syndromes, Hereditary; Hereditary neoplastic syndrome. Identifiers: Orphanet 140162, MedGen C0027672, MeSH D009386, MONDO:0015356.
Bloom syndrome (BLM). Also called: Bloom-Torre-Machacek syndrome. Identifiers: Orphanet 125, MedGen C0005859, MONDO:0008876, OMIM 210900.

Allele frequency attached by ClinVar (database versions not stated): TOPMed below 0.00001; gnomAD exomes 0.00001; ExAC 0.00002.
gnomAD v4.1: 18 of 1,603,152 alleles (0.0011%); highest among the groups gnomAD compares: East Asian, 0.013%; no homozygotes.

Submissions (4):

Labcorp Genetics (formerly Invitae), Labcorp
Classification: Likely benign for Bloom syndrome. Last evaluated: 2026-01-11. Review status: criteria provided, single submitter. Criteria: Invitae Variant Classification Sherloc (09022015). Collection method: clinical testing. Allele origin: germline.

Genetic Services Laboratory, University of Chicago
Classification: Uncertain significance. Last evaluated: 2019-11-26. Review status: criteria provided, single submitter. Criteria: ACMG Guidelines, 2015. Collection method: clinical testing. Allele origin: germline. Affected: no.

Ambry Genetics
Classification: Likely benign for Hereditary cancer-predisposing syndrome. Last evaluated: 2019-03-13. Review status: criteria provided, single submitter. Criteria: Ambry Variant Classification Scheme 2023. Collection method: clinical testing. Allele origin: germline.

PreventionGenetics, part of Exact Sciences
Classification: Likely benign for BLM-related condition. Last evaluated: 2021-05-04. Review status: no assertion criteria provided. Collection method: clinical testing. Allele origin: germline. Not counted in ClinVar's aggregate classification.
Comment: This variant is classified as likely benign based on ACMG/AMP sequence variant interpretation guidelines (Richards et al. 2015 PMID: 25741868, with internal and published modifications).

NM_000057.4(BLM):c.2661A>G (p.Pro887=)

Gene: BLM (BLM RecQ like helicase; plus strand). Cytogenetic location: 15q26.1.
Variant type: single nucleotide variant.
Coding change: c.2661A>G on transcript NM_000057.4 (MANE Select); coding-DNA position 2661, A replaced by G.
Protein change: p.Pro887=; no amino-acid change (proline 887 retained).
Molecular consequence: synonymous variant.
Genome position (GRCh38, 1-based): chr15:90,782,927, A>G. VCF-style: chr15-90782927-A-G. GRCh37 (hg19) VCF-style: chr15-91326157-A-G.
Other names: c.2661A>G, p.Pro887= (NM_001287246.2, NM_001287247.2); c.1536A>G, p.Pro512= (NM_001287248.2).
Identifiers: ClinVar variation 821594 (VCV000821594.15), dbSNP rs753160480, ClinGen allele CA7738835.
Genomic context (GRCh38, chr15:90,782,927, plus strand): 5'-ACCGAAAAAGCCTAAAAAGGTGGCATTTGATTGCCTAGAATGGATCAGAAAGCACCACCC[A>G]TGTGAGTACAGCCATGTGATTAGCTGTCTAGAAGTAACAAATGTCTTTTTAGTACCACAA-3'
Protein context (NP_000048.1, residues 877-897): DCLEWIRKHH[Pro887=]YDSGIIYCLS